The following is an entry in ClinVar:

ClinVar aggregate classification (germline): Pathogenic/Likely pathogenic. Review status: criteria provided, multiple submitters, no conflicts (2 of 4 stars). 3 submissions from 3 submitters: Pathogenic (2); Likely pathogenic (1). Last evaluated 2025-03-14.

Conditions:
Hereditary cancer-predisposing syndrome. Also called: Neoplastic Syndromes, Hereditary; Tumor predisposition; Hereditary Cancer Syndrome; Hereditary neoplastic syndrome. Identifiers: Orphanet 140162, MedGen C0027672, MeSH D009386, MONDO:0015356.
Lynch syndrome 4 (LYNCH4). Also called: Colorectal cancer, hereditary nonpolyposis, type 4; Hereditary non-polyposis colorectal cancer, type 4. Identifiers: Orphanet 144, MedGen C1838333, MONDO:0013699, OMIM 614337. Disease mechanism: loss of function.

Allele frequency attached by ClinVar (database versions not stated): ExAC 0.00002.
gnomAD v4.1: 4 of 1,613,928 alleles (0.00025%); highest among the groups gnomAD compares: Non-Finnish European, 0.00025%; no homozygotes.

Submissions (3):

Ambry Genetics
Classification: Pathogenic for Hereditary cancer-predisposing syndrome. Last evaluated: 2025-03-14. Review status: criteria provided, single submitter. Criteria: Ambry Variant Classification Scheme 2023. Collection method: clinical testing. Allele origin: germline.
Comment: The p.Q530* pathogenic mutation (also known as c.1588C>T), located in coding exon 11 of the PMS2 gene, results from a C to T substitution at nucleotide position 1588. This changes the amino acid from a glutamine to a stop codon within coding exon 11. In addition to the clinical data presented in the literature, this alteration is expected to result in loss of function by premature protein truncation or nonsense-mediated mRNA decay. As such, this alteration is interpreted as a disease-causing mutation.

Myriad Genetics, Inc.
Classification: Pathogenic for Lynch syndrome 4. Last evaluated: 2023-09-20. Review status: criteria provided, single submitter. Criteria: Myriad Autosomal Dominant, Autosomal Recessive and X-Linked Classification Criteria (2023). Collection method: clinical testing. Allele origin: unknown.
Comment: This variant is considered pathogenic. This variant creates a termination codon and is predicted to result in premature protein truncation.

Baylor Genetics
Classification: Likely pathogenic for Lynch syndrome 4. Last evaluated: 2022-04-23. Review status: criteria provided, single submitter. Criteria: ACMG Guidelines, 2015. Collection method: clinical testing. Allele origin: unknown.

Literature cited by the submitters: PubMed 27696107 (cited by Ambry Genetics).

NM_000535.7(PMS2):c.1588C>T (p.Gln530Ter)

Gene: PMS2 (PMS1 homolog 2, mismatch repair system component; minus strand). Cytogenetic location: 7p22.1.
Variant type: single nucleotide variant.
Coding change: c.1588C>T on transcript NM_000535.7 (MANE Select); coding-DNA position 1588, C replaced by T.
Protein change: p.Gln530Ter; replaces glutamine 530 with a stop codon.
Molecular consequence: nonsense. On other transcripts: non-coding transcript variant (1).
Genome position (GRCh38, 1-based): chr7:5,987,177, G>A on the plus strand (C>T on the coding strand, the complement: PMS2 is on the minus strand). VCF-style: chr7-5987177-G-A. GRCh37 (hg19) VCF-style: chr7-6026808-G-A.
Other names: c.1183C>T, p.Gln395Ter (NM_001018040.1, NM_001322003.2, NM_001322004.2 and 17 more transcripts); c.1432C>T, p.Gln478Ter (NM_001322006.2, NM_001406870.1); c.1270C>T, p.Gln424Ter (NM_001322007.2, NM_001322008.2, NM_001406876.1 and 2 more transcripts); c.1027C>T, p.Gln343Ter (NM_001322010.2, NM_001406906.1, NM_001406907.1); c.655C>T, p.Gln219Ter (NM_001322011.2, NM_001322012.2); c.1015C>T, p.Gln339Ter (NM_001322013.2, NM_001406909.1); c.1588C>T, p.Gln530Ter (NM_001322014.2, NM_001406871.1, NM_001406872.1); c.1279C>T, p.Gln427Ter (NM_001322015.2, NM_001406875.1, NM_001406877.1 and 5 more transcripts); and 12 more; short protein forms Q273*, Q343*, Q372*, Q422*, Q424*, Q538*, Q592*, Q418*.
Identifiers: ClinVar variation 1775846 (VCV001775846.5), dbSNP rs751261543, ClinGen allele CA044524.